The following is an entry in ClinVar:

ClinVar aggregate classification (germline): Likely benign (1 of 4 stars; one submission).

Allele frequency attached by ClinVar (database versions not stated): ExAC 0.00002; gnomAD exomes 0.00002; gnomAD 0.00004; TOPMed 0.00004; ESP Exome Variant Server 0.00008.
gnomAD v4.1: 17 of 1,599,308 alleles (0.0011%); highest among the groups gnomAD compares: African/African-American, 0.004%; no homozygotes.

Submission:

CeGaT Center for Human Genetics Tuebingen
Classification: Likely benign. Last evaluated: 2023-10-01. Review status: criteria provided, single submitter. Criteria: CeGaT Center For Human Genetics Tuebingen Variant Classification Criteria Version 2. Collection method: clinical testing. Allele origin: germline. Affected: yes. Observed: 1 variant allele.
Comment: CLIP2: BP4

NM_003388.5(CLIP2):c.2711G>A (p.Arg904Gln)

Gene: CLIP2 (CAP-Gly domain containing linker protein 2; plus strand). Cytogenetic location: 7q11.23.
Variant type: single nucleotide variant.
Coding change: c.2711G>A on transcript NM_003388.5 (MANE Select); coding-DNA position 2711, G replaced by A.
Protein change: p.Arg904Gln; replaces arginine 904 with glutamine.
Molecular consequence: missense variant.
Genome position (GRCh38, 1-based): chr7:74,389,250, G>A. VCF-style: chr7-74389250-G-A. GRCh37 (hg19) VCF-style: chr7-73803580-G-A.
Other names: c.2606G>A, p.Arg869Gln (NM_032421.3); short protein forms R869Q, R904Q.
Identifiers: ClinVar variation 2657594 (VCV002657594.24), dbSNP rs368731513, ClinGen allele CA4296148.
Genomic context (GRCh38, chr7:74,389,250, plus strand): 5'-TGTCCCGGAAGACCCATGACGCCTCGGGCCAGCTAGTCCTCATCAGCCAGGAGCTGCTGC[G>A]GAAGGAGCGGTGAGGCGGCCGTGGGGCCGGCTGGGTCCTCCCTGTGGCCCTGGCCCTTGC-3'
Protein context (NP_003379.4, residues 894-914): QLVLISQELL[Arg904Gln]KERSLNELRV